The following is an entry in ClinVar:

ClinVar aggregate classification (germline): Uncertain significance. Review status: criteria provided, multiple submitters, no conflicts (2 of 4 stars). 3 submissions from 3 submitters: Uncertain significance (3). Last evaluated 2024-02-13.

Conditions:
Hereditary cancer-predisposing syndrome. Also called: Hereditary neoplastic syndrome; Hereditary Cancer Syndrome; Neoplastic Syndromes, Hereditary; Tumor predisposition. Identifiers: Orphanet 140162, MedGen C0027672, MeSH D009386, MONDO:0015356.
Familial cancer of breast. Also called: Hereditary breast cancer; BREAST CANCER, FAMILIAL; hereditary breast carcinoma. Identifiers: Orphanet 227535, MedGen C0346153, MONDO:0016419, OMIM 114480. Disease mechanism: loss of function.

Submissions (3):

Labcorp Genetics (formerly Invitae), Labcorp
Classification: Uncertain significance for Familial cancer of breast. Last evaluated: 2024-02-13. Review status: criteria provided, single submitter. Criteria: Invitae Variant Classification Sherloc (09022015). Collection method: clinical testing. Allele origin: germline.
Comment: This sequence change replaces threonine, which is neutral and polar, with alanine, which is neutral and non-polar, at codon 973 of the PALB2 protein (p.Thr973Ala). This variant is not present in population databases (gnomAD no frequency). This variant has not been reported in the literature in individuals affected with PALB2-related conditions. ClinVar contains an entry for this variant (Variation ID: 229706). Advanced modeling of protein sequence and biophysical properties (such as structural, functional, and spatial information, amino acid conservation, physicochemical variation, residue mobility, and thermodynamic stability) performed at Invitae indicates that this missense variant is not expected to disrupt PALB2 protein function with a negative predictive value of 80%. In summary, the available evidence is currently insufficient to determine the role of this variant in disease. Therefore, it has been classified as a Variant of Uncertain Significance.

Color Diagnostics, LLC DBA Color Health
Classification: Uncertain significance for Hereditary cancer-predisposing syndrome. Last evaluated: 2023-12-05. Review status: criteria provided, single submitter. Criteria: ACMG Guidelines, 2015. Collection method: clinical testing. Allele origin: germline.
Comment: This missense variant replaces threonine with alanine at codon 973 of the PALB2 protein. Computational prediction suggests that this variant may not impact protein structure and function (internally defined REVEL score threshold <= 0.5, PMID: 27666373). To our knowledge, functional studies have not been reported for this variant. This variant has not been reported in individuals affected with PALB2-related disorders in the literature. This variant has not been identified in the general population by the Genome Aggregation Database (gnomAD). The available evidence is insufficient to determine the role of this variant in disease conclusively. Therefore, this variant is classified as a Variant of Uncertain Significance.

Ambry Genetics
Classification: Uncertain significance for Hereditary cancer-predisposing syndrome. Last evaluated: 2022-07-11. Review status: criteria provided, single submitter. Criteria: Ambry Variant Classification Scheme 2023. Collection method: clinical testing. Allele origin: germline.
Comment: The p.T973A variant (also known as c.2917A>G), located in coding exon 9 of the PALB2 gene, results from an A to G substitution at nucleotide position 2917. The threonine at codon 973 is replaced by alanine, an amino acid with similar properties. This amino acid position is not well conserved in available vertebrate species. In addition, this alteration is predicted to be tolerated by in silico analysis. Since supporting evidence is limited at this time, the clinical significance of this alteration remains unclear.

NM_024675.4(PALB2):c.2917A>G (p.Thr973Ala)

Gene: PALB2 (partner and localizer of BRCA2; minus strand). Cytogenetic location: 16p12.2.
Variant type: single nucleotide variant.
Coding change: c.2917A>G on transcript NM_024675.4 (MANE Select); coding-DNA position 2917, A replaced by G.
Protein change: p.Thr973Ala; replaces threonine 973 with alanine.
Molecular consequence: missense variant.
Genome position (GRCh38, 1-based): chr16:23,623,048, T>C on the plus strand (A>G on the coding strand, the complement: PALB2 is on the minus strand). VCF-style: chr16-23623048-T-C. GRCh37 (hg19) VCF-style: chr16-23634369-T-C.
Other names: short protein forms T973A.
Identifiers: ClinVar variation 229706 (VCV000229706.14), dbSNP rs876658154, ClinGen allele CA10579943.